The following is an entry in ClinVar:

NM_006667.5(PGRMC1):c.533C>T (p.Thr178Ile)

Gene: PGRMC1 (progesterone receptor membrane component 1; plus strand). Cytogenetic location: Xq24.
Variant type: single nucleotide variant.
Coding change: c.533C>T on transcript NM_006667.5 (MANE Select); coding-DNA position 533, C replaced by T.
Protein change: p.Thr178Ile; replaces threonine 178 with isoleucine.
Molecular consequence: missense variant.
Genome position (GRCh38, 1-based): chrX:119,243,199, C>T. VCF-style: chrX-119243199-C-T. GRCh37 (hg19) VCF-style: chrX-118377162-C-T.
Other names: c.377C>T, p.Thr126Ile (NM_001282621.2); c.533C>T (NM_006667.4); short protein forms T126I, T178I.
Identifiers: ClinVar variation 1256017 (VCV001256017.5), dbSNP rs201254642, ClinGen allele CA10501748.

ClinVar aggregate classification (germline): Uncertain significance. Review status: criteria provided, single submitter (1 of 4 stars). 3 submissions from 3 submitters: Uncertain significance (1). 2 of the submissions do not count toward it. Last evaluated 2023-04-05.

Conditions:
Genetic non-acquired premature ovarian failure. Identifiers: Orphanet 485382, MedGen C5925042.
PGRMC1-related disorder. Also called: PGRMC1-related condition.

Allele frequency attached by ClinVar (database versions not stated): gnomAD 0.00003 and 0.00007; gnomAD exomes 0.00010 and 0.00030; TOPMed 0.00019; 1000 Genomes Project 0.00026; ExAC 0.00026; 1000 Genomes Project 30x 0.00042.
gnomAD v4.1: 121 of 1,204,817 alleles (0.01%); highest among the groups gnomAD compares: East Asian, 0.34%; no homozygotes.

Submissions (3):

Department of Pathology and Laboratory Medicine, Sinai Health System
Classification: Uncertain significance for PGRMC1-related disorder. Last evaluated: 2023-04-05. Review status: criteria provided, single submitter. Criteria: ACMG Guidelines, 2015. Collection method: research. Allele origin: germline.

PreventionGenetics, part of Exact Sciences
Classification: Likely benign for PGRMC1-related condition. Last evaluated: 2022-03-15. Review status: no assertion criteria provided. Collection method: clinical testing. Allele origin: germline. Not counted in ClinVar's aggregate classification.
Comment: This variant is classified as likely benign based on ACMG/AMP sequence variant interpretation guidelines (Richards et al. 2015 PMID: 25741868, with internal and published modifications).

Center for Reproductive Medicine, Shandong Provincial Hospital Affiliated to Shandong University
Classification: Likely pathogenic for Genetic non-acquired premature ovarian failure. Last evaluated: 2019-10-01. Review status: no assertion criteria provided. Collection method: research. Allele origin: unknown. Affected: yes. Observed: 8 variant alleles. Not counted in ClinVar's aggregate classification.